The following is an entry in ClinVar:

NM_018972.4(GDAP1):c.536C>A (p.Pro179Gln)

Gene: GDAP1 (ganglioside induced differentiation associated protein 1; plus strand). Cytogenetic location: 8q21.11.
Variant type: single nucleotide variant.
Coding change: c.536C>A on transcript NM_018972.4 (MANE Select); coding-DNA position 536, C replaced by A.
Protein change: p.Pro179Gln; replaces proline 179 with glutamine.
Molecular consequence: missense variant.
Genome position (GRCh38, 1-based): chr8:74,361,935, C>A. VCF-style: chr8-74361935-C-A. GRCh37 (hg19) VCF-style: chr8-75274170-C-A.
Other names: c.332C>A, p.Pro111Gln (NM_001040875.4); c.209C>A, p.Pro70Gln (NM_001362929.2, NM_001362932.2); c.362C>A, p.Pro121Gln (NM_001362930.2); c.536C>A, p.Pro179Gln (NM_001362931.2); short protein forms P179Q, P111Q, P121Q, P70Q.
Identifiers: ClinVar variation 429256 (VCV000429256.2), dbSNP rs1131691282, ClinGen allele CA371549138.

ClinVar aggregate classification (germline): Uncertain significance (1 of 4 stars; one submission).

Submission:

GeneDx
Classification: Uncertain significance. Last evaluated: 2017-05-02. Review status: criteria provided, single submitter. Criteria: GeneDx Variant Classification (06012015). Collection method: clinical testing. Allele origin: germline. Affected: yes.
Comment: The P179Q variant in the GDAP1 gene has not been reported previously as a pathogenic variant, nor as a benign variant, to our knowledge. The P179Q variant is not observed in large population cohorts (Lek et al., 2016; 1000 Genomes Consortium et al., 2015; Exome Variant Server). The P179Q variant is a non-conservative amino acid substitution, which is likely to impact secondary protein structure as these residues differ in polarity, charge, size and/or other properties. This substitution occurs at a position that is conserved across species. In silico analysis predicts this variant is probably damaging to the protein structure/function. We interpret P179Q as a variant of uncertain significance.